The following is an entry in ClinVar:

ClinVar aggregate classification (germline): Uncertain significance (1 of 4 stars; one submission).

Conditions:
Inborn genetic diseases. Identifiers: MedGen C0950123, MeSH D030342.

Submission:

Ambry Genetics
Classification: Uncertain significance for Inborn genetic diseases. Last evaluated: 2026-08-07. Review status: criteria provided, single submitter. Criteria: Ambry Variant Classification Scheme 2023. Collection method: clinical testing. Allele origin: germline.
Comment: The p.Q1292H variant (also known as c.3876A>C), located in coding exon 26 of the ANKRD26 gene, results from an A to C substitution at nucleotide position 3876. The glutamine at codon 1292 is replaced by histidine, an amino acid with highly similar properties. This amino acid position is conserved. In addition, this alteration is predicted to be tolerated by in silico analysis. Based on the available evidence, the clinical significance of this variant remains unclear.

NM_014915.3(ANKRD26):c.3876A>C (p.Gln1292His)

Gene: ANKRD26 (ankyrin repeat domain 26; minus strand). Cytogenetic location: 10p12.1.
Variant type: single nucleotide variant.
Coding change: c.3876A>C on transcript NM_014915.3 (MANE Select); coding-DNA position 3876, A replaced by C.
Protein change: p.Gln1292His; replaces glutamine 1292 with histidine.
Molecular consequence: missense variant.
Genome position (GRCh38, 1-based): chr10:27,029,288, T>G on the plus strand (A>C on the coding strand, the complement: ANKRD26 is on the minus strand). VCF-style: chr10-27029288-T-G. GRCh37 (hg19) VCF-style: chr10-27318217-T-G.
Other names: c.3873A>C, p.Gln1291His (NM_001256053.2); short protein forms Q1292H, Q1291H.
Identifiers: ClinVar variation 5023461 (VCV005023461.1).